The following is an entry in ClinVar:

ClinVar aggregate classification (germline): Pathogenic/Likely pathogenic. Review status: criteria provided, multiple submitters, no conflicts (2 of 4 stars). 7 submissions from 7 submitters: Pathogenic (5); Likely pathogenic (1). 1 of the submissions does not count toward it. Last evaluated 2026-01-08.

Conditions:
ABCC6-related disorder. Also called: ABCC6-related condition.
Autosomal recessive inherited pseudoxanthoma elasticum (PXE). Identifiers: Orphanet 758, MedGen CN032334, MONDO:0009925, OMIM 264800.
Pseudoxanthoma elasticum, forme fruste. Also called: Pseudoxanthoma Elasticum, Incomplete; PSEUDOXANTHOMA ELASTICUM, HETEROZYGOUS. Identifiers: Orphanet 758, MedGen C1867450, MONDO:0008333, OMIM 177850.
Arterial calcification, generalized, of infancy, 2. Identifiers: Orphanet 51608, MedGen C3276161, MONDO:0013768, OMIM 614473.

Allele frequency attached by ClinVar (database versions not stated): TOPMed 0.00002; gnomAD 0.00003; ExAC 0.00009.
gnomAD v4.1: 55 of 1,613,362 alleles (0.0034%); highest among the groups gnomAD compares: East Asian, 0.096%; no homozygotes.

Submissions (7):

GeneDx
Classification: Pathogenic. Last evaluated: 2026-01-08. Review status: criteria provided, single submitter. Criteria: GeneDx Variant Classification Process June 2021. Collection method: clinical testing. Allele origin: germline. Affected: yes.
Comment: Published functional studies using a zebrafish mRNA rescue assay showed minimal rescue of the morpholino-induced phenotype supporting a damaging effect (PMID: 25615550); In silico analysis supports that this missense variant has a deleterious effect on protein structure/function; This variant is associated with the following publications: (PMID: 19284998, 25615550, 28186352, 28912966, 32154576, 32873932, 34205333, 34440381, 39152783)

Labcorp Genetics (formerly Invitae), Labcorp
Classification: Pathogenic. Last evaluated: 2025-02-18. Review status: criteria provided, single submitter. Criteria: Invitae Variant Classification Sherloc (09022015). Collection method: clinical testing. Allele origin: germline.
Comment: This sequence change replaces arginine, which is basic and polar, with glutamine, which is neutral and polar, at codon 419 of the ABCC6 protein (p.Arg419Gln). This variant is present in population databases (rs772434460, gnomAD 0.1%). This missense change has been observed in individual(s) with pseudoxanthoma elasticum (PMID: 19284998, 28912966). In at least one individual the data is consistent with being in trans (on the opposite chromosome) from a pathogenic variant. ClinVar contains an entry for this variant (Variation ID: 430158). Invitae Evidence Modeling of protein sequence and biophysical properties (such as structural, functional, and spatial information, amino acid conservation, physicochemical variation, residue mobility, and thermodynamic stability) has been performed for this missense variant. However, the output from this modeling did not meet the statistical confidence thresholds required to predict the impact of this variant on ABCC6 protein function. Experimental studies have shown that this missense change affects ABCC6 function (PMID: 25615550). For these reasons, this variant has been classified as Pathogenic.

Blueprint Genetics
Classification: Pathogenic for ABCC6-related disorders. Last evaluated: 2024-07-26. Review status: criteria provided, single submitter. Criteria: ACMG Guidelines, 2015. Collection method: clinical testing. Allele origin: germline. Affected: yes. Observed: 5 variant alleles.

Fulgent Genetics
Classification: Pathogenic for Pseudoxanthoma elasticum, forme fruste; Autosomal recessive inherited pseudoxanthoma elasticum; Arterial calcification, generalized, of infancy, 2. Last evaluated: 2024-05-16. Review status: criteria provided, single submitter. Criteria: ACMG Guidelines, 2015. Collection method: clinical testing. Allele origin: germline.

Department of Pathology and Laboratory Medicine, Sinai Health System
Classification: Pathogenic for Arterial calcification, generalized, of infancy, 2; Pseudoxanthoma elasticum, forme fruste; Autosomal recessive inherited pseudoxanthoma elasticum. Last evaluated: 2023-09-29. Review status: criteria provided, single submitter. Criteria: ACMG Guidelines, 2015. Collection method: research. Allele origin: germline.

Revvity Omics, Revvity
Classification: Likely pathogenic. Last evaluated: 2020-09-01. Review status: criteria provided, single submitter. Criteria: ACMG Guidelines, 2015. Collection method: clinical testing. Allele origin: germline.

PXE International
Classification: Likely pathogenic for Autosomal recessive inherited pseudoxanthoma elasticum. Last evaluated: 2021-03-01. Review status: no assertion criteria provided. Collection method: research. Allele origin: germline. Inheritance: Autosomal recessive inheritance. Affected: yes. Not counted in ClinVar's aggregate classification.

Literature cited by the submitters: PubMed 19284998 (cited by Labcorp Genetics (formerly Invitae), Labcorp); PubMed 28912966 (cited by Labcorp Genetics (formerly Invitae), Labcorp); PubMed 25615550 (cited by Labcorp Genetics (formerly Invitae), Labcorp); PubMed 32873932 (cited by PXE International); PubMed 26084751 (cited by PXE International).

NM_001171.6(ABCC6):c.1256G>A (p.Arg419Gln)

Gene: ABCC6 (ATP binding cassette subfamily C member 6; minus strand). Cytogenetic location: 16p13.11.
Variant type: single nucleotide variant.
Coding change: c.1256G>A on transcript NM_001171.6 (MANE Select); coding-DNA position 1256, G replaced by A.
Protein change: p.Arg419Gln; replaces arginine 419 with glutamine.
Molecular consequence: missense variant. On other transcripts: non-coding transcript variant (1).
Genome position (GRCh38, 1-based): chr16:16,198,103, C>T on the plus strand (G>A on the coding strand, the complement: ABCC6 is on the minus strand). VCF-style: chr16-16198103-C-T. GRCh37 (hg19) VCF-style: chr16-16291960-C-T.
Other names: c.914G>A, p.Arg305Gln (NM_001351800.1); short protein forms R419Q, R305Q.
Identifiers: ClinVar variation 430158 (VCV000430158.27), dbSNP rs772434460, ClinGen allele CA7926390.